The following is an entry in ClinVar:

NM_205834.4(LSR):c.455-8C>T

Gene: LSR (lipolysis stimulated lipoprotein receptor; plus strand). Cytogenetic location: 19q13.12.
Variant type: single nucleotide variant.
Coding change: c.455-8C>T on transcript NM_205834.4 (MANE Select); 8 bases into the intron before coding-DNA position 455, C replaced by T.
Molecular consequence: intron variant.
Genome position (GRCh38, 1-based): chr19:35,258,937, C>T. VCF-style: chr19-35258937-C-T. GRCh37 (hg19) VCF-style: chr19-35749840-C-T.
Other names: c.599-8C>T (NM_205834.3); c.455-8C>T (NM_015925.7, NM_001260489.2, NM_205835.4 and 1 more transcripts); c.455-7422C>T (NM_001260490.2).
Identifiers: ClinVar variation 2719906 (VCV002719906.4), dbSNP rs371523401, ClinGen allele CA9374698.

ClinVar aggregate classification (germline): Benign/Likely benign. Review status: criteria provided, multiple submitters, no conflicts (2 of 4 stars). 2 submissions from 2 submitters: Benign (1); Likely benign (1). Last evaluated 2026-01-21.

Conditions:
LSR-related condition.

Allele frequency attached by ClinVar (database versions not stated): gnomAD exomes 0.00007; ExAC 0.00028; ESP Exome Variant Server 0.00069; gnomAD 0.00073; TOPMed 0.00082.
gnomAD v4.1: 219 of 1,613,604 alleles (0.014%); highest among the groups gnomAD compares: African/African-American, 0.25%; no homozygotes.

Submissions (2):

PreventionGenetics, part of Exact Sciences
Classification: Likely benign for LSR-related condition. Last evaluated: 2026-01-21. Review status: criteria provided, single submitter. Criteria: ACMG Guidelines, 2015. Collection method: clinical testing. Allele origin: germline.
Comment: This variant is classified as likely benign based on ACMG/AMP sequence variant interpretation guidelines (Richards et al. 2015 PMID: 25741868, with internal and published modifications).

Labcorp Genetics (formerly Invitae), Labcorp
Classification: Benign. Last evaluated: 2025-09-03. Review status: criteria provided, single submitter. Criteria: Invitae Variant Classification Sherloc (09022015). Collection method: clinical testing. Allele origin: germline.